The following is an entry in ClinVar:

NM_000059.4(BRCA2):c.6350G>C (p.Cys2117Ser)

Gene: BRCA2 (BRCA2 DNA repair associated; plus strand). Cytogenetic location: 13q13.1.
Variant type: single nucleotide variant.
Coding change: c.6350G>C on transcript NM_000059.4 (MANE Select); coding-DNA position 6350, G replaced by C.
Protein change: p.Cys2117Ser; replaces cysteine 2117 with serine.
Molecular consequence: missense variant.
Genome position (GRCh38, 1-based): chr13:32,340,705, G>C. VCF-style: chr13-32340705-G-C. GRCh37 (hg19) VCF-style: chr13-32914842-G-C.
Other names: short protein forms C2117S.
Identifiers: ClinVar variation 926423 (VCV000926423.9), dbSNP rs2072553110, ClinGen allele CA387789125.
Genomic context (GRCh38, chr13:32,340,705, plus strand): 5'-CGTCTAGACAAAATGTATCAAAAATACTTCCTCGTGTTGATAAGAGAAACCCAGAGCACT[G>C]TGTAAACTCAGAAATGGAAAAAACCTGCAGTAAAGAATTTAAATTATCAAATAACTTAAA-3'
Protein context (NP_000050.3, residues 2107-2127): PRVDKRNPEH[Cys2117Ser]VNSEMEKTCS

ClinVar aggregate classification (germline): Conflicting classifications of pathogenicity. Review status: criteria provided, conflicting classifications (1 of 4 stars). 3 submissions from 3 submitters: Uncertain significance (2); Likely benign (1). Last evaluated 2025-09-16.

Conditions:
Hereditary cancer-predisposing syndrome. Also called: Neoplastic Syndromes, Hereditary; Tumor predisposition; Hereditary Cancer Syndrome; Hereditary neoplastic syndrome. Identifiers: Orphanet 140162, MedGen C0027672, MeSH D009386, MONDO:0015356.
Hereditary breast ovarian cancer syndrome. Also called: Hereditary breast and ovarian cancer syndrome; BRCA1- and BRCA2-Associated Hereditary Breast and Ovarian Cancer; Hereditary breast and ovarian cancer; Hereditary breast and ovarian cancer syndrome (HBOC); Breast and ovarian cancer; Hereditary breast and/or ovarian cancer syndrome. Identifiers: Orphanet 145, MedGen C0677776, MeSH D061325, MONDO:0003582. Disease mechanism: loss of function.

Submissions (3):

Labcorp Genetics (formerly Invitae), Labcorp
Classification: Uncertain significance for Hereditary breast ovarian cancer syndrome. Last evaluated: 2025-09-16. Review status: criteria provided, single submitter. Criteria: Invitae Variant Classification Sherloc (09022015). Collection method: clinical testing. Allele origin: germline.
Comment: This sequence change replaces cysteine, which is neutral and slightly polar, with serine, which is neutral and polar, at codon 2117 of the BRCA2 protein (p.Cys2117Ser). This variant is not present in population databases (gnomAD no frequency). This variant has not been reported in the literature in individuals affected with BRCA2-related conditions. ClinVar contains an entry for this variant (Variation ID: 926423). Invitae Evidence Modeling of protein sequence and biophysical properties (such as structural, functional, and spatial information, amino acid conservation, physicochemical variation, residue mobility, and thermodynamic stability) indicates that this missense variant is not expected to disrupt BRCA2 protein function with a negative predictive value of 95%. In summary, the available evidence is currently insufficient to determine the role of this variant in disease. Therefore, it has been classified as a Variant of Uncertain Significance.

Color Diagnostics, LLC DBA Color Health
Classification: Uncertain significance for Hereditary cancer-predisposing syndrome. Last evaluated: 2023-12-04. Review status: criteria provided, single submitter. Criteria: ACMG Guidelines, 2015. Collection method: clinical testing. Allele origin: germline.
Comment: This missense variant replaces cysteine with serine at codon 2117 of the BRCA2 protein. Computational prediction suggests that this variant may not impact protein structure and function (internally defined REVEL score threshold <= 0.5, PMID: 27666373). To our knowledge, functional studies have not been reported for this variant. This variant has not been reported in individuals affected with BRCA2-related disorders in the literature. This variant has not been identified in the general population by the Genome Aggregation Database (gnomAD). The available evidence is insufficient to determine the role of this variant in disease conclusively. Therefore, this variant is classified as a Variant of Uncertain Significance.

University of Washington Department of Laboratory Medicine, University of Washington
Classification: Likely benign for Hereditary cancer-predisposing syndrome. Last evaluated: 2023-03-23. Review status: criteria provided, single submitter. Criteria: Dines et al. (Genet Med. 2020). Collection method: curation. Allele origin: germline.
Comment: Missense variant in a coldspot region where missense variants are very unlikely to be pathogenic (PMID:31911673).

BRCA2 exon 11 coldspot. Reclassification based on statistical prior probability.